The following is an entry in ClinVar:

ClinVar aggregate classification (germline): Benign. Review status: criteria provided, multiple submitters, no conflicts (2 of 4 stars). 4 submissions from 3 submitters: Benign (4). Last evaluated 2021-07-01.

Conditions:
Mucolipidosis type II. Also called: Mucolipidosis II Alpha/Beta; ML II ALPHA/BETA; Mucolipidosis 2; ML 2; Inclusion cell disease; Leroy Disease. Identifiers: Orphanet 576, MedGen C2673377, MONDO:0009650, OMIM 252500.
Pseudo-Hurler polydystrophy. Also called: MUCOLIPIDOSIS IIIA; ML III; ML III ALPHA/BETA; Type III Mucolipidosis; ML IIIA; Mucolipidosis III Alpha/Beta. Identifiers: Orphanet 423461, Orphanet 577, MedGen C0033788, MONDO:0018931, OMIM 252600.

Allele frequency attached by ClinVar (database versions not stated): gnomAD 0.60946 and 0.61187; 1000 Genomes Project 0.69050; gnomAD exomes 0.57418; TOPMed 0.61293; 1000 Genomes Project 30x 0.68239.
gnomAD v4.1: 386,671 of 662,668 alleles (58%); highest among the groups gnomAD compares: East Asian, 88%; 116,255 homozygotes.

Submissions (4):

Genome-Nilou Lab
Classification: Benign for Mucolipidosis type II. Last evaluated: 2021-07-01. Review status: criteria provided, single submitter. Criteria: ACMG Guidelines, 2015. Collection method: clinical testing. Allele origin: germline. Affected: no.

Genome-Nilou Lab
Classification: Benign for Pseudo-Hurler polydystrophy. Last evaluated: 2021-07-01. Review status: criteria provided, single submitter. Criteria: ACMG Guidelines, 2015. Collection method: clinical testing. Allele origin: germline. Affected: no.

GeneDx
Classification: Benign. Last evaluated: 2018-06-19. Review status: criteria provided, single submitter. Criteria: GeneDx Variant Classification (06012015). Collection method: clinical testing. Allele origin: germline. Affected: yes.
Comment: This variant is considered likely benign or benign based on one or more of the following criteria: it is a conservative change, it occurs at a poorly conserved position in the protein, it is predicted to be benign by multiple in silico algorithms, and/or has population frequency not consistent with disease.

Breakthrough Genomics
Classification: Benign. Review status: criteria provided, single submitter. Criteria: ACMG Guidelines, 2015. Collection method: not provided. Allele origin: germline. Inheritance: Autosomal recessive inheritance. Affected: yes.

NM_024312.5(GNPTAB):c.3434+112C>G

Gene: GNPTAB (N-acetylglucosamine-1-phosphate transferase subunits alpha and beta; minus strand). Cytogenetic location: 12q23.2.
Variant type: single nucleotide variant.
Coding change: c.3434+112C>G on transcript NM_024312.5 (MANE Select); 112 bases into the intron after coding-DNA position 3434, C replaced by G.
Molecular consequence: intron variant.
Genome position (GRCh38, 1-based): chr12:101,757,100, G>C on the plus strand (C>G on the coding strand, the complement: GNPTAB is on the minus strand). VCF-style: chr12-101757100-G-C. GRCh37 (hg19) VCF-style: chr12-102150878-G-C.
Identifiers: ClinVar variation 671998 (VCV000671998.5), dbSNP rs3736475, ClinGen allele CA13751597.